The following is an entry in ClinVar:

ClinVar aggregate classification (germline): Uncertain significance (1 of 4 stars; one submission).

Conditions:
X-linked lymphoproliferative disease due to XIAP deficiency. Also called: XIAP-Related Lymphoproliferative Disease, X-Linked; XIAP DEFICIENCY. Identifiers: Orphanet 2442, Orphanet 538934, MedGen C1845076, MONDO:0010385, OMIM 300635.

Allele frequency attached by ClinVar (database versions not stated): gnomAD exomes below 0.00001.
gnomAD v4.1: 5 of 1,211,702 alleles (0.00041%); highest among the groups gnomAD compares: Non-Finnish European, 0.00056%; no homozygotes.

Submission:

Labcorp Genetics (formerly Invitae), Labcorp
Classification: Uncertain significance for X-linked lymphoproliferative disease due to XIAP deficiency. Last evaluated: 2023-11-15. Review status: criteria provided, single submitter. Criteria: Invitae Variant Classification Sherloc (09022015). Collection method: clinical testing. Allele origin: germline.
Comment: This sequence change replaces arginine, which is basic and polar, with threonine, which is neutral and polar, at codon 84 of the XIAP protein (p.Arg84Thr). This variant is not present in population databases (gnomAD no frequency). This variant has not been reported in the literature in individuals affected with XIAP-related conditions. Advanced modeling of protein sequence and biophysical properties (such as structural, functional, and spatial information, amino acid conservation, physicochemical variation, residue mobility, and thermodynamic stability) has been performed at Invitae for this missense variant, however the output from this modeling did not meet the statistical confidence thresholds required to predict the impact of this variant on XIAP protein function. In summary, the available evidence is currently insufficient to determine the role of this variant in disease. Therefore, it has been classified as a Variant of Uncertain Significance.

NM_001167.4(XIAP):c.251G>C (p.Arg84Thr)

Gene: XIAP (X-linked inhibitor of apoptosis; plus strand). Cytogenetic location: Xq25.
Variant type: single nucleotide variant.
Coding change: c.251G>C on transcript NM_001167.4 (MANE Select); coding-DNA position 251, G replaced by C.
Protein change: p.Arg84Thr; replaces arginine 84 with threonine.
Molecular consequence: missense variant.
Genome position (GRCh38, 1-based): chrX:123,885,913, G>C. VCF-style: chrX-123885913-G-C. GRCh37 (hg19) VCF-style: chrX-123019763-G-C.
Other names: c.251G>C, p.Arg84Thr (NM_001378592.1, NM_001204401.2, NM_001378590.1 and 1 more transcripts); short protein forms R84T.
Identifiers: ClinVar variation 2696244 (VCV002696244.3), dbSNP rs2522584748, ClinGen allele CA414123041.
Genomic context (GRCh38, chrX:123,885,913, plus strand): 5'-TTAGTTGTCATGCAGCTGTAGATAGATGGCAATATGGAGACTCAGCAGTTGGAAGACACA[G>C]GAAAGTATCCCCAAATTGCAGATTTATCAACGGCTTTTATCTTGAAAATAGTGCCACGCA-3'
Protein context (NP_001158.2, residues 74-94): QYGDSAVGRH[Arg84Thr]KVSPNCRFIN